The following is an entry in ClinVar:

NM_012431.3(SEMA3E):c.95G>A (p.Arg32Gln)

Gene: SEMA3E (semaphorin 3E; minus strand). Cytogenetic location: 7q21.11.
Variant type: single nucleotide variant.
Coding change: c.95G>A on transcript NM_012431.3 (MANE Select); coding-DNA position 95, G replaced by A.
Protein change: p.Arg32Gln; replaces arginine 32 with glutamine.
Molecular consequence: missense variant.
Genome position (GRCh38, 1-based): chr7:83,648,448, C>T on the plus strand (G>A on the coding strand, the complement: SEMA3E is on the minus strand). VCF-style: chr7-83648448-C-T. GRCh37 (hg19) VCF-style: chr7-83277764-C-T.
Other names: short protein forms R32Q.
Identifiers: ClinVar variation 4744446 (VCV004744446.1).
Genomic context (GRCh38, chr7:83,648,448, plus strand): 5'-TTTTTTTTTTTAAACAAAAGGATCTGGAAAGGTAACCTACCTTTATGTGACAGGCGTAAC[C>T]GGGGGTGGGTAGTATCAGCTGTATGACCTCCTGTCCAAAGCTCCAGTAAGTAACCCCACA-3'
Protein context (NP_036563.1, residues 22-42): GGHTADTTHP[Arg32Gln]LRLSHKELLN

ClinVar aggregate classification (germline): Uncertain significance (1 of 4 stars; one submission).

Conditions:
CHARGE syndrome (CHARGE). Also called: Hittner Hirsch Kreh syndrome; CHARGE ASSOCIATION--COLOBOMA, HEART ANOMALY, CHOANAL ATRESIA, RETARDATION, GENITAL AND EAR ANOMALIES; Coloboma, heart anomaly, choanal atresia, retardation, genital and ear anomalies; CHARGE association; Hall-Hittner syndrome. Identifiers: Orphanet 138, MedGen C0265354, MONDO:0008965.

gnomAD v4.1: 2 of 1,609,762 alleles (0.00012%); highest among the groups gnomAD compares: Non-Finnish European, 0.00017%; no homozygotes.

Submission:

Labcorp Genetics (formerly Invitae), Labcorp
Classification: Uncertain significance for CHARGE syndrome. Last evaluated: 2025-12-17. Review status: criteria provided, single submitter. Criteria: Invitae Variant Classification Sherloc (09022015). Collection method: clinical testing. Allele origin: germline.
Comment: This sequence change replaces arginine, which is basic and polar, with glutamine, which is neutral and polar, at codon 32 of the SEMA3E protein (p.Arg32Gln). This variant is not present in population databases (gnomAD no frequency). This variant has not been reported in the literature in individuals affected with SEMA3E-related conditions. An algorithm developed to predict the effect of missense changes on protein structure and function (PolyPhen-2) suggests that this variant is likely to be tolerated. In summary, the available evidence is currently insufficient to determine the role of this variant in disease. Therefore, it has been classified as a Variant of Uncertain Significance.